The following is an entry in ClinVar:

NM_138694.4(PKHD1):c.12076C>T (p.Gln4026Ter)

Gene: PKHD1 (PKHD1 ciliary IPT domain containing fibrocystin/polyductin; minus strand). Cytogenetic location: 6p12.3.
Variant type: single nucleotide variant.
Coding change: c.12076C>T on transcript NM_138694.4 (MANE Select); coding-DNA position 12076, C replaced by T.
Protein change: p.Gln4026Ter; replaces glutamine 4026 with a stop codon.
Molecular consequence: nonsense.
Genome position (GRCh38, 1-based): chr6:51,619,230, G>A on the plus strand (C>T on the coding strand, the complement: PKHD1 is on the minus strand). VCF-style: chr6-51619230-G-A. GRCh37 (hg19) VCF-style: chr6-51484028-G-A.
Other names: short protein forms Q4026*.
Identifiers: ClinVar variation 813369 (VCV000813369.5), dbSNP rs780097121, ClinGen allele CA3850623.

ClinVar aggregate classification (germline): Uncertain significance. Review status: criteria provided, single submitter (1 of 4 stars). 2 submissions from 2 submitters: Uncertain significance (1). 1 of the submissions does not count toward it. Last evaluated 2024-02-17.

Conditions:
Autosomal recessive polycystic kidney disease (ARPKD). Also called: AR polycystic kidney disease. Identifiers: Orphanet 731, Orphanet 8378, MedGen C0085548, MeSH D017044, MONDO:0009889.
Polycystic kidney disease 4 (PKD4). Also called: POLYCYSTIC KIDNEY AND HEPATIC DISEASE 1; POLYCYSTIC KIDNEY DISEASE, INFANTILE, TYPE I; POLYCYSTIC KIDNEY DISEASE 4 WITH OR WITHOUT POLYCYSTIC LIVER DISEASE; Autosomal Recessive Polycystic Kidney Disease – PKHD1; PKD3. Identifiers: MedGen C4540575, MONDO:0033004, OMIM 263200.

Allele frequency attached by ClinVar (database versions not stated): gnomAD 0.00001; TOPMed 0.00002.
gnomAD v4.1: 5 of 1,614,134 alleles (0.00031%); highest among the groups gnomAD compares: Admixed American, 0.0083%; no homozygotes.

Submissions (2):

Labcorp Genetics (formerly Invitae), Labcorp
Classification: Uncertain significance for Autosomal recessive polycystic kidney disease. Last evaluated: 2024-02-17. Review status: criteria provided, single submitter. Criteria: Invitae Variant Classification Sherloc (09022015). Collection method: clinical testing. Allele origin: germline.
Comment: This sequence change creates a premature translational stop signal (p.Gln4026*) in the PKHD1 gene. While this is not anticipated to result in nonsense mediated decay, it is expected to disrupt the last 49 amino acid(s) of the PKHD1 protein. This variant is present in population databases (rs780097121, gnomAD 0.009%). This variant has not been reported in the literature in individuals affected with PKHD1-related conditions. ClinVar contains an entry for this variant (Variation ID: 813369). In summary, the available evidence is currently insufficient to determine the role of this variant in disease. Therefore, it has been classified as a Variant of Uncertain Significance.

Baylor Genetics
Classification: Uncertain significance for Polycystic kidney disease 4. Last evaluated: 2021-11-03. Review status: no assertion criteria provided. Collection method: clinical testing. Allele origin: unknown. Not counted in ClinVar's aggregate classification.